The following is an entry in ClinVar:

NM_006767.4(LZTR1):c.1562T>C (p.Phe521Ser)

Gene: LZTR1 (leucine zipper like post translational regulator 1; plus strand). Cytogenetic location: 22q11.21.
Variant type: single nucleotide variant.
Coding change: c.1562T>C on transcript NM_006767.4 (MANE Select); coding-DNA position 1562, T replaced by C.
Protein change: p.Phe521Ser; replaces phenylalanine 521 with serine.
Molecular consequence: missense variant.
Genome position (GRCh38, 1-based): chr22:20,994,216, T>C. VCF-style: chr22-20994216-T-C. GRCh37 (hg19) VCF-style: chr22-21348505-T-C.
Other names: c.1562T>C (NM_006767.3); short protein forms F521S.
Identifiers: ClinVar variation 1493901 (VCV001493901.9), dbSNP rs2147967392, ClinGen allele CA410775985.

ClinVar aggregate classification (germline): Uncertain significance. Review status: criteria provided, multiple submitters, no conflicts (2 of 4 stars). 2 submissions from 2 submitters: Uncertain significance (2). Last evaluated 2025-11-08.

Conditions:
Hereditary cancer-predisposing syndrome. Also called: Tumor predisposition; Hereditary neoplastic syndrome; Neoplastic Syndromes, Hereditary; Hereditary Cancer Syndrome. Identifiers: Orphanet 140162, MedGen C0027672, MeSH D009386, MONDO:0015356.
Cardiovascular phenotype. Identifiers: MedGen CN230736.

Submissions (2):

Ambry Genetics
Classification: Uncertain significance for Cardiovascular phenotype; Hereditary cancer-predisposing syndrome. Last evaluated: 2025-11-08. Review status: criteria provided, single submitter. Criteria: Ambry Variant Classification Scheme 2023. Collection method: clinical testing. Allele origin: germline.
Comment: The p.F521S variant (also known as c.1562T>C), located in coding exon 14 of the LZTR1 gene, results from a T to C substitution at nucleotide position 1562. The phenylalanine at codon 521 is replaced by serine, an amino acid with highly dissimilar properties. This amino acid position is conserved. In addition, this alteration is predicted to be deleterious by in silico analysis. Based on the available evidence, the clinical significance of this variant remains unclear.

Labcorp Genetics (formerly Invitae), Labcorp
Classification: Uncertain significance. Last evaluated: 2025-09-24. Review status: criteria provided, single submitter. Criteria: Invitae Variant Classification Sherloc (09022015). Collection method: clinical testing. Allele origin: germline.
Comment: This sequence change replaces phenylalanine, which is neutral and non-polar, with serine, which is neutral and polar, at codon 521 of the LZTR1 protein (p.Phe521Ser). This variant is not present in population databases (gnomAD no frequency). This variant has not been reported in the literature in individuals affected with LZTR1-related conditions. ClinVar contains an entry for this variant (Variation ID: 1493901). Invitae Evidence Modeling of protein sequence and biophysical properties (such as structural, functional, and spatial information, amino acid conservation, physicochemical variation, residue mobility, and thermodynamic stability) indicates that this missense variant is not expected to disrupt LZTR1 protein function with a negative predictive value of 80%. In summary, the available evidence is currently insufficient to determine the role of this variant in disease. Therefore, it has been classified as a Variant of Uncertain Significance.